The following is an entry in ClinVar:

ClinVar aggregate classification (germline): Conflicting classifications of pathogenicity. Review status: criteria provided, conflicting classifications (1 of 4 stars). 2 submissions from 2 submitters: Uncertain significance (1); Likely benign (1). Last evaluated 2023-09-30.

Conditions:
Hereditary cancer-predisposing syndrome. Also called: Neoplastic Syndromes, Hereditary; Hereditary Cancer Syndrome; Hereditary neoplastic syndrome; Tumor predisposition. Identifiers: Orphanet 140162, MedGen C0027672, MeSH D009386, MONDO:0015356.
Neurofibromatosis, type 1 (NF1). Also called: VON RECKLINGHAUSEN DISEASE; Neurofibromatosis, type I; NEUROFIBROMATOSIS, TYPE I, SOMATIC; Peripheral type neurofibromatosis. Identifiers: Orphanet 636, MedGen C0027831, MONDO:0018975, OMIM 162200. Disease mechanism: loss of function.

Allele frequency attached by ClinVar (database versions not stated): gnomAD exomes below 0.00001.
gnomAD v4.1: 3 of 1,613,608 alleles (0.00019%); highest among the groups gnomAD compares: East Asian, 0.0022%; no homozygotes.

Submissions (2):

Labcorp Genetics (formerly Invitae), Labcorp
Classification: Likely benign for Neurofibromatosis, type 1. Last evaluated: 2023-09-30. Review status: criteria provided, single submitter. Criteria: Invitae Variant Classification Sherloc (09022015). Collection method: clinical testing. Allele origin: germline.

Ambry Genetics
Classification: Uncertain significance for Hereditary cancer-predisposing syndrome. Last evaluated: 2014-02-14. Review status: criteria provided, single submitter. Criteria: Ambry Autosomal Dominant and X-Linked criteria (10/2015). Collection method: clinical testing. Allele origin: germline. Observed: 1 variant allele.
Comment: The c.1261-4C>G intronic variant results from a C to G substitution 4 nucleotides upstream from coding exon 12 in the NF1 gene. This variant was not reported in population based cohorts in the following databases: Database of Single Nucleotide Polymorphisms (dbSNP), NHLBI Exome Sequencing Project (ESP), and 1000 Genomes Project. This nucleotide position is not well conserved in available vertebrate species. In addition, the BDGP and ESEfinder in silico splicing models do not predict any significant effect on the native splice acceptor site. Since supporting evidence is limited at this time, the clinical significance of c.1261-4C>G remains unclear.

NM_001042492.3(NF1):c.1261-4C>G

Gene: NF1 (neurofibromin 1; plus strand). Cytogenetic location: 17q11.2.
Variant type: single nucleotide variant.
Coding change: c.1261-4C>G on transcript NM_001042492.3 (MANE Select); 4 bases into the intron before coding-DNA position 1261, C replaced by G.
Molecular consequence: intron variant.
Genome position (GRCh38, 1-based): chr17:31,206,236, C>G. VCF-style: chr17-31206236-C-G. GRCh37 (hg19) VCF-style: chr17-29533254-C-G.
Other names: c.1261-4C>G (NM_000267.4, NM_001128147.3).
Identifiers: ClinVar variation 141530 (VCV000141530.8), dbSNP rs587781820, ClinGen allele CA165699.